The following is an entry in ClinVar:

ClinVar aggregate classification (germline): Uncertain significance (1 of 4 stars; one submission).

Conditions:
Charcot-Marie-Tooth disease, type I (CMT1). Also called: Charcot-Marie-Tooth, Type 1; Charcot-Marie-Tooth disease type 1. Identifiers: Orphanet 65753, MedGen C0751036, MONDO:0019011.

Allele frequency attached by ClinVar (database versions not stated): gnomAD exomes 0.00001; TOPMed 0.00001; gnomAD 0.00001.

Submission:

Labcorp Genetics (formerly Invitae), Labcorp
Classification: Uncertain significance for Charcot-Marie-Tooth disease, type I. Last evaluated: 2023-08-22. Review status: criteria provided, single submitter. Criteria: Invitae Variant Classification Sherloc (09022015). Collection method: clinical testing. Allele origin: germline.
Comment: This variant has not been reported in the literature in individuals affected with MPZ-related conditions. In summary, the available evidence is currently insufficient to determine the role of this variant in disease. Therefore, it has been classified as a Variant of Uncertain Significance. Advanced modeling of protein sequence and biophysical properties (such as structural, functional, and spatial information, amino acid conservation, physicochemical variation, residue mobility, and thermodynamic stability) performed at Invitae indicates that this missense variant is not expected to disrupt MPZ protein function. ClinVar contains an entry for this variant (Variation ID: 2079767). The frequency data for this variant in the population databases is considered unreliable, as metrics indicate poor data quality at this position in the gnomAD database. This sequence change replaces arginine, which is basic and polar, with serine, which is neutral and polar, at codon 186 of the MPZ protein (p.Arg186Ser).

NM_000530.8(MPZ):c.558G>T (p.Arg186Ser)

Gene: MPZ (myelin protein zero; minus strand). Cytogenetic location: 1q23.3.
Variant type: single nucleotide variant.
Coding change: c.558G>T on transcript NM_000530.8 (MANE Select); coding-DNA position 558, G replaced by T.
Protein change: p.Arg186Ser; replaces arginine 186 with serine.
Molecular consequence: missense variant.
Genome position (GRCh38, 1-based): chr1:161,306,355, C>A on the plus strand (G>T on the coding strand, the complement: MPZ is on the minus strand). VCF-style: chr1-161306355-C-A. GRCh37 (hg19) VCF-style: chr1-161276145-C-A.
Other names: c.558G>T, p.Arg186Ser (NM_001315491.2); short protein forms R186S.
Identifiers: ClinVar variation 2079767 (VCV002079767.4), dbSNP rs1427001812, ClinGen allele CA343345487.